The following is an entry in ClinVar:

NM_000548.5(TSC2):c.2738C>G (p.Thr913Ser)

Gene: TSC2 (TSC complex subunit 2; plus strand). Cytogenetic location: 16p13.3.
Variant type: single nucleotide variant.
Coding change: c.2738C>G on transcript NM_000548.5 (MANE Select); coding-DNA position 2738, C replaced by G.
Protein change: p.Thr913Ser; replaces threonine 913 with serine.
Molecular consequence: missense variant.
Genome position (GRCh38, 1-based): chr16:2,076,166, C>G. VCF-style: chr16-2076166-C-G. GRCh37 (hg19) VCF-style: chr16-2126167-C-G.
Other names: c.2738C>G, p.Thr913Ser (NM_001077183.3, NM_001114382.3, NM_001363528.2 and 3 more transcripts); c.2627C>G, p.Thr876Ser (NM_001318827.2); c.2591C>G, p.Thr864Ser (NM_001318829.2); c.2138C>G, p.Thr713Ser (NM_001318831.2); c.2771C>G, p.Thr924Ser (NM_001318832.2); short protein forms T713S, T876S, T913S, T924S, T864S.
Identifiers: ClinVar variation 1470920 (VCV001470920.6), dbSNP rs2151389251, ClinGen allele CA394279615.

ClinVar aggregate classification (germline): Uncertain significance (1 of 4 stars; one submission).

Conditions:
Tuberous sclerosis 2 (TSC2). Identifiers: Orphanet 805, MedGen C1860707, MONDO:0013199, OMIM 613254.

gnomAD v4.1: 1 of 1,613,634 alleles (0.000062%); highest among the groups gnomAD compares: Non-Finnish European, 0.000085%; no homozygotes.

Submission:

Labcorp Genetics (formerly Invitae), Labcorp
Classification: Uncertain significance for Tuberous sclerosis 2. Last evaluated: 2021-10-10. Review status: criteria provided, single submitter. Criteria: Invitae Variant Classification Sherloc (09022015). Collection method: clinical testing. Allele origin: germline.
Comment: In summary, the available evidence is currently insufficient to determine the role of this variant in disease. Therefore, it has been classified as a Variant of Uncertain Significance. Algorithms developed to predict the effect of sequence changes on RNA splicing suggest that this variant may create or strengthen a splice site. Advanced modeling of protein sequence and biophysical properties (such as structural, functional, and spatial information, amino acid conservation, physicochemical variation, residue mobility, and thermodynamic stability) performed at Invitae indicates that this missense variant is not expected to disrupt TSC2 protein function. This variant has not been reported in the literature in individuals affected with TSC2-related conditions. This variant is not present in population databases (ExAC no frequency). This sequence change replaces threonine with serine at codon 913 of the TSC2 protein (p.Thr913Ser). The threonine residue is highly conserved and there is a small physicochemical difference between threonine and serine.